The following is an entry in ClinVar:

NM_001384474.1(LOXHD1):c.1021del (p.Arg341fs)

Gene: LOXHD1 (lipoxygenase homology PLAT domains 1; minus strand). Cytogenetic location: 18q21.1.
Variant type: Deletion.
Coding change: c.1021del on transcript NM_001384474.1 (MANE Select); coding-DNA position 1021, one base deleted (C; older notation c.1021delC).
Protein change: p.Arg341fs; shifts the reading frame from arginine 341.
Molecular consequence: frameshift variant.
Genome position (GRCh38, 1-based): chr18:46,601,330, G deleted on the plus strand (C on the coding strand, the reverse complement: LOXHD1 is on the minus strand); the first of 2 consecutive G bases (chr18:46,601,330-46,601,331); deleting either gives the same sequence. VCF-style (leftmost placement, unchanged base first): chr18-46601329-CG-C. GRCh37 (hg19) VCF-style: chr18-44181292-CG-C.
Other names: c.1021del, p.Arg341fs (NM_144612.7); short protein forms R341fs.
Identifiers: ClinVar variation 3631443 (VCV003631443.2).

ClinVar aggregate classification (germline): Pathogenic (1 of 4 stars; one submission).

Submission:

Labcorp Genetics (formerly Invitae), Labcorp
Classification: Pathogenic. Last evaluated: 2024-02-18. Review status: criteria provided, single submitter. Criteria: Invitae Variant Classification Sherloc (09022015). Collection method: clinical testing. Allele origin: germline.
Comment: This sequence change creates a premature translational stop signal (p.Arg341Glufs*18) in the LOXHD1 gene. It is expected to result in an absent or disrupted protein product. Loss-of-function variants in LOXHD1 are known to be pathogenic (PMID: 19732867, 21465660, 25792669). This variant is not present in population databases (gnomAD no frequency). This variant has not been reported in the literature in individuals affected with LOXHD1-related conditions. For these reasons, this variant has been classified as Pathogenic.

Literature cited by the submitters: PubMed 19732867; PubMed 21465660; PubMed 25792669.